The following is an entry in ClinVar:

NM_000264.5(PTCH1):c.746del (p.Leu249fs)

Gene: PTCH1 (patched 1; minus strand). Cytogenetic location: 9q22.32.
Variant type: Deletion.
Coding change: c.746del on transcript NM_000264.5 (MANE Select); coding-DNA position 746, one base deleted (T; older notation c.746delT).
Protein change: p.Leu249fs; shifts the reading frame from leucine 249.
Molecular consequence: frameshift variant. On other transcripts: non-coding transcript variant (1).
Genome position (GRCh38, 1-based): chr9:95,481,949, A deleted on the plus strand (T on the coding strand, the reverse complement: PTCH1 is on the minus strand). VCF-style (leftmost placement, unchanged base first): chr9-95481948-CA-C. GRCh37 (hg19) VCF-style: chr9-98244230-CA-C.
Other names: c.548del, p.Leu183fs (NM_001083602.3, NM_001354919.2); c.743del, p.Leu248fs (NM_001083603.3); c.293del, p.Leu98fs (NM_001083604.3, NM_001083605.3, NM_001083606.3 and 1 more transcripts); c.746del, p.Leu249fs (NM_001354918.2); short protein forms L183fs, L248fs, L249fs, L98fs.
Identifiers: ClinVar variation 1456324 (VCV001456324.6), dbSNP rs2118458606, ClinGen allele CA2573144901.

ClinVar aggregate classification (germline): Pathogenic (1 of 4 stars; one submission).

Conditions:
Gorlin syndrome. Also called: Nevoid Basal Cell Carcinoma Syndrome; Basal cell nevus syndrome. Identifiers: Orphanet 377, MedGen C0004779, MONDO:0007187.

Submission:

Labcorp Genetics (formerly Invitae), Labcorp
Classification: Pathogenic for Gorlin syndrome. Last evaluated: 2021-06-15. Review status: criteria provided, single submitter. Criteria: Invitae Variant Classification Sherloc (09022015). Collection method: clinical testing. Allele origin: germline.
Comment: For these reasons, this variant has been classified as Pathogenic. Algorithms developed to predict the effect of sequence changes on RNA splicing suggest that this variant may disrupt the consensus splice site, but this prediction has not been confirmed by published transcriptional studies. This variant has not been reported in the literature in individuals with PTCH1-related conditions. This variant is not present in population databases (ExAC no frequency). This sequence change creates a premature translational stop signal (p.Leu249Glnfs*20) in the PTCH1 gene. It is expected to result in an absent or disrupted protein product. Loss-of-function variants in PTCH1 are known to be pathogenic (PMID: 16301862, 16419085).

Literature cited by the submitters: PubMed 16301862; PubMed 16419085.